The following is an entry in ClinVar:

ClinVar aggregate classification (germline): Uncertain significance (1 of 4 stars; one submission).

Conditions:
SEMA3A-related disorder. Also called: SEMA3A-related condition.

gnomAD v4.1: 11 of 1,614,014 alleles (0.00068%); highest among the groups gnomAD compares: African/African-American, 0.0013%; no homozygotes.

Submission:

PreventionGenetics, part of Exact Sciences
Classification: Uncertain significance for SEMA3A-related condition. Last evaluated: 2025-09-23. Review status: criteria provided, single submitter. Criteria: ACMG Guidelines, 2015. Collection method: clinical testing. Allele origin: germline.
Comment: The SEMA3A c.2083A>T variant is predicted to result in the amino acid substitution p.Met695Leu. To our knowledge, this variant has not been reported in the literature. This variant is reported in 0.0062% of alleles in individuals of African descent in gnomAD. At this time, the clinical significance of this variant is uncertain due to the absence of conclusive functional and genetic evidence.

NM_006080.3(SEMA3A):c.2083A>T (p.Met695Leu)

Gene: SEMA3A (semaphorin 3A; minus strand). Cytogenetic location: 7q21.11.
Variant type: single nucleotide variant.
Coding change: c.2083A>T on transcript NM_006080.3 (MANE Select); coding-DNA position 2083, A replaced by T.
Protein change: p.Met695Leu; replaces methionine 695 with leucine.
Molecular consequence: missense variant.
Genome position (GRCh38, 1-based): chr7:83,961,604, T>A on the plus strand (A>T on the coding strand, the complement: SEMA3A is on the minus strand). VCF-style: chr7-83961604-T-A. GRCh37 (hg19) VCF-style: chr7-83590920-T-A.
Other names: short protein forms M695L.
Identifiers: ClinVar variation 4993829 (VCV004993829.1).